The following is an entry in ClinVar:

NM_001384140.1(PCDH15):c.4671+1G>T

Gene: PCDH15 (protocadherin related 15; minus strand). Cytogenetic location: 10q21.1.
Variant type: single nucleotide variant.
Coding change: c.4671+1G>T on transcript NM_001384140.1 (MANE Select); the canonical splice donor site of the intron after coding-DNA position 4671, G replaced by T.
Molecular consequence: splice donor variant.
Genome position (GRCh38, 1-based): chr10:53,810,555, C>A on the plus strand (G>T on the coding strand, the complement: PCDH15 is on the minus strand). VCF-style: chr10-53810555-C-A. GRCh37 (hg19) VCF-style: chr10-55570315-C-A.
Other names: c.4553+1G>T (NM_001142770.3); c.4497+1G>T (NM_001354411.2, NM_001142771.2); c.4518+1G>T (NM_001142769.3); c.4476+1G>T (NM_001354420.2); c.4605+1G>T (NM_001354429.2); c.4482+1G>T (NM_001142772.2).
Identifiers: ClinVar variation 5017046 (VCV005017046.1).
Genomic context (GRCh38, chr10:53,810,555, plus strand): 5'-GTAGGGTTAAACAATATTTTTCTTGGAATATTATCTTACATAATAAAATTACAGTAATTA[C>A]CTCTTCCTCCTCATATTCTTCCTCAGCTTCACCAACCACCTCACCATATTCCTCCTGTCC-3'

ClinVar aggregate classification (germline): Uncertain significance (1 of 4 stars; one submission).

gnomAD v4.1: 2 of 1,610,870 alleles (0.00012%); highest among the groups gnomAD compares: African/African-American, 0.0027%; no homozygotes.

Submission:

GeneDx
Classification: Uncertain significance. Last evaluated: 2026-03-24. Review status: criteria provided, single submitter. Criteria: GeneDx Variant Classification Process June 2021. Collection method: clinical testing. Allele origin: germline.
Comment: Canonical splice site variant in a gene or region of a gene for which loss of function is not a well-established mechanism of disease; Has not been previously published as pathogenic or benign to our knowledge; Reported using an alternate transcript of the gene